The following is an entry in ClinVar:

ClinVar aggregate classification (germline): Uncertain significance (1 of 4 stars; one submission).

gnomAD v4.1: 1 of 1,614,240 alleles (0.000062%); highest among the groups gnomAD compares: Non-Finnish European, 0.000085%; no homozygotes.

Submission:

Ambry Genetics
Classification: Uncertain significance. Last evaluated: 2026-01-20. Review status: criteria provided, single submitter. Criteria: Ambry Variant Classification Scheme 2023. Collection method: clinical testing. Allele origin: germline.
Comment: The p.Y210C variant (also known as c.629A>G), located in coding exon 1 of the CDK12 gene, results from an A to G substitution at nucleotide position 629. The tyrosine at codon 210 is replaced by cysteine, an amino acid with highly dissimilar properties. This amino acid position is conserved. In addition, the in silico prediction for this alteration is inconclusive. Based on the available evidence, the clinical significance of this variant remains unclear.

NM_016507.4(CDK12):c.629A>G (p.Tyr210Cys)

Genes: CDK12 (cyclin dependent kinase 12; plus strand), LOC126862553 (CDK7 strongly-dependent group 2 enhancer GRCh37_chr17:37618166-37619365; plus strand). Cytogenetic location: 17q12.
Variant type: single nucleotide variant.
Coding change: c.629A>G on transcript NM_016507.4 (MANE Select); coding-DNA position 629, A replaced by G.
Protein change: p.Tyr210Cys; replaces tyrosine 210 with cysteine.
Molecular consequence: missense variant.
Genome position (GRCh38, 1-based): chr17:39,462,700, A>G. VCF-style: chr17-39462700-A-G. GRCh37 (hg19) VCF-style: chr17-37618953-A-G.
Other names: c.629A>G, p.Tyr210Cys (NM_015083.4); short protein forms Y210C.
Identifiers: ClinVar variation 4844479 (VCV004844479.1).